The following is an entry in ClinVar:

ClinVar aggregate classification (germline): Benign/Likely benign. Review status: criteria provided, multiple submitters, no conflicts (2 of 4 stars). 9 submissions from 9 submitters: Benign (1); Likely benign (8). Last evaluated 2026-01-10.

Conditions:
Mismatch repair cancer syndrome 4. Identifiers: MedGen C5436817, MONDO:0030843, OMIM 619101.
Lynch syndrome 4 (LYNCH4). Also called: Colorectal cancer, hereditary nonpolyposis, type 4; Hereditary non-polyposis colorectal cancer, type 4. Identifiers: Orphanet 144, MedGen C1838333, MONDO:0013699, OMIM 614337. Disease mechanism: loss of function.
Hereditary nonpolyposis colorectal neoplasms. Identifiers: MedGen C0009405, MeSH D003123.
Hereditary cancer-predisposing syndrome. Also called: Neoplastic Syndromes, Hereditary; Hereditary Cancer Syndrome; Tumor predisposition; Hereditary neoplastic syndrome. Identifiers: Orphanet 140162, MedGen C0027672, MeSH D009386, MONDO:0015356.
Lynch syndrome. Identifiers: Orphanet 144, MedGen C4552100, MONDO:0005835. Disease mechanism: loss of function.

Allele frequency attached by ClinVar (database versions not stated): ExAC 0.00001; gnomAD exomes 0.00001; TOPMed 0.00001.
gnomAD v4.1: 11 of 1,614,020 alleles (0.00068%); highest among the groups gnomAD compares: Middle Eastern, 0.016%; no homozygotes.

Submissions (9):

Labcorp Genetics (formerly Invitae), Labcorp
Classification: Likely benign for Hereditary nonpolyposis colorectal neoplasms. Last evaluated: 2026-01-10. Review status: criteria provided, single submitter. Criteria: Invitae Variant Classification Sherloc (09022015). Collection method: clinical testing. Allele origin: germline.

CeGaT Center for Human Genetics Tuebingen
Classification: Likely benign. Last evaluated: 2025-03-01. Review status: criteria provided, single submitter. Criteria: CeGaT Center For Human Genetics Tuebingen Variant Classification Criteria Version 2. Collection method: clinical testing. Allele origin: germline. Affected: yes. Observed: 2 variant alleles.
Comment: PMS2: BP4, BP7

Myriad Genetics, Inc.
Classification: Benign for Lynch syndrome 4. Last evaluated: 2025-01-30. Review status: criteria provided, single submitter. Criteria: Myriad Autosomal Dominant, Autosomal Recessive and X-Linked Classification Criteria (2023). Collection method: clinical testing. Allele origin: unknown.
Comment: This variant is considered benign. This variant is a silent/synonymous amino acid change and it is not expected to impact splicing.

All of Us Research Program, National Institutes of Health
Classification: Likely benign for Lynch syndrome. Last evaluated: 2024-04-16. Review status: criteria provided, single submitter. Criteria: ACMG Guidelines, 2015. Collection method: clinical testing. Allele origin: germline. Inheritance: Autosomal dominant inheritance. Observed: 5 variant alleles, 5 heterozygotes.
Comment: This study involves interpretation of variants in research participants for the purpose of population health screening. Participant phenotype was not available at the time of variant classification. Additional details can be found in publication PMID: 35346344, PMCID: PMC8962531

Department of Pathology and Laboratory Medicine, Sinai Health System
Classification: Likely benign for Lynch syndrome 4; Mismatch repair cancer syndrome 4. Last evaluated: 2021-08-04. Review status: criteria provided, single submitter. Criteria: ACMG Guidelines, 2015. Collection method: clinical testing. Allele origin: germline. Affected: no.

Quest Diagnostics Nichols Institute San Juan Capistrano
Classification: Likely benign. Last evaluated: 2017-10-11. Review status: criteria provided, single submitter. Criteria: Quest Diagnostics criteria. Collection method: clinical testing. Allele origin: germline.

Color Diagnostics, LLC DBA Color Health
Classification: Likely benign for Hereditary cancer-predisposing syndrome. Last evaluated: 2017-06-19. Review status: criteria provided, single submitter. Criteria: ACMG Guidelines, 2015. Collection method: clinical testing. Allele origin: germline.

GeneDx
Classification: Likely benign. Last evaluated: 2017-01-03. Review status: criteria provided, single submitter. Criteria: GeneDx Variant Classification (06012015). Collection method: clinical testing. Allele origin: germline. Affected: yes.
Comment: This variant is considered likely benign or benign based on one or more of the following criteria: it is a conservative change, it occurs at a poorly conserved position in the protein, it is predicted to be benign by multiple in silico algorithms, and/or has population frequency not consistent with disease.

Ambry Genetics
Classification: Likely benign for Hereditary cancer-predisposing syndrome. Last evaluated: 2015-06-30. Review status: criteria provided, single submitter. Criteria: Ambry Variant Classification Scheme 2023. Collection method: clinical testing. Allele origin: germline.

NM_000535.7(PMS2):c.1305C>T (p.His435=)

Gene: PMS2 (PMS1 homolog 2, mismatch repair system component; minus strand). Cytogenetic location: 7p22.1.
Variant type: single nucleotide variant.
Coding change: c.1305C>T on transcript NM_000535.7 (MANE Select); coding-DNA position 1305, C replaced by T.
Protein change: p.His435=; no amino-acid change (histidine 435 retained).
Molecular consequence: synonymous variant. On other transcripts: non-coding transcript variant (1).
Genome position (GRCh38, 1-based): chr7:5,987,460, G>A on the plus strand (C>T on the coding strand, the complement: PMS2 is on the minus strand). VCF-style: chr7-5987460-G-A. GRCh37 (hg19) VCF-style: chr7-6027091-G-A.
Other names: c.900C>T, p.His300= (NM_001322003.2, NM_001322004.2, NM_001322005.2 and 1 more transcripts); c.1149C>T, p.His383= (NM_001322006.2); c.987C>T, p.His329= (NM_001322007.2, NM_001322008.2); c.744C>T, p.His248= (NM_001322010.2); c.372C>T, p.His124= (NM_001322011.2, NM_001322012.2); c.732C>T, p.His244= (NM_001322013.2); c.1305C>T, p.His435= (NM_001322014.2); c.996C>T, p.His332= (NM_001322015.2).
Identifiers: ClinVar variation 232626 (VCV000232626.47), dbSNP rs763954903, ClinGen allele CA043022.
Genomic context (GRCh38, chr7:5,987,460, plus strand): 5'-AGACAGCATACCCCTTTTCTGTCCTAGAGGGCTCCTTCTTGGTTCTGGAGTCTTTGGGCT[G>A]TGAGGCTTGTTCTCTGTTGTGTGACGAAGAGAAAAGGCCTCTCGCAGTCTGGAAATGGAC-3'
Protein context (NP_000526.2, residues 425-445): SLRHTTENKP[His435=]SPKTPEPRRS